The following is an entry in ClinVar:

NM_020297.4(ABCC9):c.959G>T (p.Gly320Val)

Gene: ABCC9 (ATP binding cassette subfamily C member 9; minus strand). Cytogenetic location: 12p12.1.
Variant type: single nucleotide variant.
Coding change: c.959G>T on transcript NM_020297.4 (MANE Select); coding-DNA position 959, G replaced by T.
Protein change: p.Gly320Val; replaces glycine 320 with valine.
Molecular consequence: missense variant.
Genome position (GRCh38, 1-based): chr12:21,912,924, C>A on the plus strand (G>T on the coding strand, the complement: ABCC9 is on the minus strand). VCF-style: chr12-21912924-C-A. GRCh37 (hg19) VCF-style: chr12-22065858-C-A.
Other names: c.959G>T, p.Gly320Val (NM_001377273.1, NM_005691.4); c.95G>T, p.Gly32Val (NM_001377274.1); short protein forms G320V, G32V.
Identifiers: ClinVar variation 533279 (VCV000533279.8), dbSNP rs200272254, ClinGen allele CA384121010.

ClinVar aggregate classification (germline): Uncertain significance (1 of 4 stars; one submission).

Conditions:
Dilated cardiomyopathy 1O (CMD1O). Also called: CARDIOMYOPATHY, DILATED, WITH VENTRICULAR TACHYCARDIA. Identifiers: Orphanet 154, MedGen C1837839, MONDO:0012062, OMIM 608569.

Allele frequency attached by ClinVar (database versions not stated): gnomAD exomes below 0.00001 and 0.00001.
gnomAD v4.1: 3 of 1,613,604 alleles (0.00019%); highest among the groups gnomAD compares: Admixed American, 0.005%; no homozygotes.

Submission:

Labcorp Genetics (formerly Invitae), Labcorp
Classification: Uncertain significance for Dilated cardiomyopathy 1O. Last evaluated: 2026-01-05. Review status: criteria provided, single submitter. Criteria: Invitae Variant Classification Sherloc (09022015). Collection method: clinical testing. Allele origin: germline.
Comment: This sequence change replaces glycine, which is neutral and non-polar, with valine, which is neutral and non-polar, at codon 320 of the ABCC9 protein (p.Gly320Val). This variant is present in population databases (no rsID available, gnomAD 0.003%). This variant has not been reported in the literature in individuals affected with ABCC9-related conditions. ClinVar contains an entry for this variant (Variation ID: 533279). Invitae Evidence Modeling of protein sequence and biophysical properties (such as structural, functional, and spatial information, amino acid conservation, physicochemical variation, residue mobility, and thermodynamic stability) indicates that this missense variant is expected to disrupt ABCC9 protein function with a positive predictive value of 95%. In summary, the available evidence is currently insufficient to determine the role of this variant in disease. Therefore, it has been classified as a Variant of Uncertain Significance.